The following is an entry in ClinVar:

ClinVar aggregate classification (germline): Benign/Likely benign. Review status: criteria provided, multiple submitters, no conflicts (2 of 4 stars). 8 submissions from 8 submitters: Benign (4); Likely benign (1). 3 of the submissions do not count toward it. Last evaluated 2026-07-01.

Conditions:
Autosomal dominant polycystic kidney disease. Identifiers: Orphanet 730, MedGen C0085413, MONDO:0004691.
Polycystic kidney disease, adult type (PKD1). Also called: POLYCYSTIC KIDNEY DISEASE, ADULT, TYPE I; Polycystic Kidney, Autosomal Dominant; Polycystic Kidney Disease 1, Autosomal Dominant; Polycystic kidney disease 1; Polycystic kidney disease 1, severe; POLYCYSTIC KIDNEY DISEASE 1 WITH OR WITHOUT POLYCYSTIC LIVER DISEASE. Identifiers: MedGen C3149841, MONDO:0008263, OMIM 173900.

Allele frequency attached by ClinVar (database versions not stated): 1000 Genomes Project 0.00459; 1000 Genomes Project 30x 0.00500; ESP Exome Variant Server 0.00854; TOPMed 0.00855; ExAC 0.00980; gnomAD 0.01026 and 0.01065; gnomAD exomes 0.01066.
gnomAD v4.1: 19,600 of 1,612,910 alleles (1.2%); highest among the groups gnomAD compares: Non-Finnish European, 1.3%; 153 homozygotes.

Submissions (8):

CeGaT Center for Human Genetics Tuebingen
Classification: Benign. Last evaluated: 2026-07-01. Review status: criteria provided, single submitter. Criteria: CeGaT Center For Human Genetics Tuebingen Variant Classification Criteria Version 2. Collection method: clinical testing. Allele origin: germline. Affected: yes. Observed: 14 variant alleles.
Comment: PKD1: BS1, BS2

Women's Health and Genetics/Laboratory Corporation of America, LabCorp
Classification: Benign. Last evaluated: 2025-04-25. Review status: criteria provided, single submitter. Criteria: LabCorp Variant Classification Summary - May 2015. Collection method: clinical testing. Allele origin: germline.

Blueprint Genetics
Classification: Likely benign. Last evaluated: 2024-11-25. Review status: criteria provided, single submitter. Criteria: ACMG Guidelines, 2015. Collection method: clinical testing. Allele origin: germline.

ARUP Laboratories, Molecular Genetics and Genomics, ARUP Laboratories
Classification: Benign for Polycystic kidney disease, adult type. Last evaluated: 2020-04-04. Review status: criteria provided, single submitter. Criteria: ARUP Molecular Germline Variant Investigation Process. Collection method: clinical testing. Allele origin: germline.

PreventionGenetics, part of Exact Sciences
Classification: Benign. Review status: criteria provided, single submitter. Criteria: ACMG Guidelines, 2015. Collection method: clinical testing. Allele origin: germline.

Department of Pathology and Laboratory Medicine, Sinai Health System
Classification: Benign for Autosomal dominant polycystic kidney disease. Review status: no assertion criteria provided. Collection method: clinical testing. Allele origin: unknown. Affected: yes. Observed: 1 variant allele. Study: The Canadian Open Genetics Repository (COGR). Not counted in ClinVar's aggregate classification.
Comment: The PKD1 c.11156+13G>A variant was identified in 10 of 462 proband chromosomes (frequency: 0.022) from individuals or families with ADPKD (Aguiari 2000, Perrichot 1999, Rossetti 2002). The variant was also identified in dbSNP (ID: rs142616270), as â€šÃ„ÃºNAâ€šÃ„Ã¹, ADPKD Mutation Database (as likely neutral), in the 1000 Genomes Project in 23 of 5000 chromosomes (frequency: 0.005), NHLBI GO Exome Sequencing Project in 99 of 8600 European American(freq. 0.01) and in 12 of 4396 African American alleles (freq. 0.003), the Exome Aggregation Consortium database (March 14, 2016) in 1179 (10 homozygous) of 120304 chromosomes (freq. 0.01) in the following populations: European in 869 of 65786 chromosomes (freq. 0.01), Finnish in 177 of 6614 chromosomes (freq. 0.03), Latino in 76 of 11556 chromosomes (freq. 0.006), African in 30 of 10312 chromosomes (freq. 0.003), South Asian in 9 of 16510 chromosomes (freq. 0.0005), Other in 18 of 896 chromosomes (freq. 0.02), increasing the likelihood this could be a low frequency benign variant. The variant occurs outside of the splicing consensus sequence and 3 of 5 in silico or computational prediction software programs (SpliceSiteFinder, MaxEntScan, NNSPLICE, GeneSplicer, HumanSpliceFinder) predict a greater than 10% difference in splicing. However, this information is not predictive enough to assume pathogenicity. In addition, one population study classified the variant as polymorphism since the affected mother carried this nucleotide variation but one of her affected daughters did not share this abnormality (Perrichot 1999). In summary, based on the above information, this variant meets our laboratory's criteria to be classified as benign.

Joint Genome Diagnostic Labs from Nijmegen and Maastricht, Radboudumc and MUMC+
Classification: Benign. Review status: no assertion criteria provided. Collection method: clinical testing. Allele origin: germline. Affected: yes. Study: VKGL Data-share Consensus. Not counted in ClinVar's aggregate classification.

Laboratory of Diagnostic Genome Analysis, Leiden University Medical Center (LUMC)
Classification: Benign. Review status: no assertion criteria provided. Collection method: clinical testing. Allele origin: germline. Affected: yes. Study: VKGL Data-share Consensus. Not counted in ClinVar's aggregate classification.

NM_001009944.3(PKD1):c.11156+13G>A

Genes: PKD1 (polycystin 1, transient receptor potential channel interacting; minus strand), PKD1-AS1 (PKD1 antisense RNA 1; plus strand). Cytogenetic location: 16p13.3.
Variant type: single nucleotide variant.
Coding change: c.11156+13G>A on transcript NM_001009944.3 (MANE Select); 13 bases into the intron after coding-DNA position 11156, G replaced by A.
Molecular consequence: intron variant. On other transcripts: non-coding transcript variant (1).
Genome position (GRCh38, 1-based): chr16:2,092,941, C>T on the plus strand (G>A on the coding strand, the complement: PKD1 is on the minus strand). VCF-style: chr16-2092941-C-T. GRCh37 (hg19) VCF-style: chr16-2142942-C-T.
Other names: c.11153+13G>A (NM_000296.4).
Identifiers: ClinVar variation 256898 (VCV000256898.48), dbSNP rs142616270, ClinGen allele CA7829293.